The following is an entry in ClinVar:

ClinVar aggregate classification (germline): Uncertain significance (1 of 4 stars; one submission).

Conditions:
Coloboma, ocular, with or without hearing impairment, cleft lip/palate, and/or impaired intellectual development. Also called: Uveal coloboma-cleft lip and palate-intellectual disability. Identifiers: Orphanet 1473, MedGen C3805432, MONDO:0007355, OMIM 120433.

Submission:

Genetics Department, University Hospital of Toulouse
Classification: Uncertain significance for Coloboma, ocular, with or without hearing impairment, cleft lip/palate, and/or impaired intellectual development. Last evaluated: 2020-11-26. Review status: criteria provided, single submitter. Criteria: ACMG Guidelines, 2015. Collection method: clinical testing. Allele origin: germline. Affected: yes. Observed: 1 variant allele.
Comment: PM2, PP3

NM_001130145.3(YAP1):c.761A>G (p.Lys254Arg)

Gene: YAP1 (Yes1 associated transcriptional regulator; plus strand). Cytogenetic location: 11q22.1.
Variant type: single nucleotide variant.
Coding change: c.761A>G on transcript NM_001130145.3 (MANE Select); coding-DNA position 761, A replaced by G.
Protein change: p.Lys254Arg; replaces lysine 254 with arginine.
Molecular consequence: missense variant. On other transcripts: intron variant (4).
Genome position (GRCh38, 1-based): chr11:102,186,090, A>G. VCF-style: chr11-102186090-A-G. GRCh37 (hg19) VCF-style: chr11-102056821-A-G.
Other names: c.761A>G, p.Lys254Arg (NM_001195044.2, NM_001282100.2, NM_001282101.2); c.227A>G, p.Lys76Arg (NM_001195045.2); c.689-19803A>G (NM_001282099.2, NM_001282098.2, NM_001282097.2 and 1 more transcripts); short protein forms K254R, K76R.
Identifiers: ClinVar variation 988078 (VCV000988078.2), dbSNP rs1947930460, ClinGen allele CA382289316.